The following is an entry in ClinVar:

ClinVar aggregate classification (germline): Uncertain significance (1 of 4 stars; one submission).

Conditions:
Bethlem myopathy 1A. Also called: Bethlem myopathy 1; MYOPATHY, BENIGN CONGENITAL, WITH CONTRACTURES; Bethlem Muscular Dystrophy. Identifiers: Orphanet 610, MedGen CN029274, MONDO:0024530, OMIM 158810.

Allele frequency attached by ClinVar (database versions not stated): gnomAD exomes below 0.00001.
gnomAD v4.1: 2 of 1,613,426 alleles (0.00012%); highest among the groups gnomAD compares: Middle Eastern, 0.018%; no homozygotes.

Submission:

Labcorp Genetics (formerly Invitae), Labcorp
Classification: Uncertain significance for Bethlem myopathy 1A. Last evaluated: 2022-11-01. Review status: criteria provided, single submitter. Criteria: Invitae Variant Classification Sherloc (09022015). Collection method: clinical testing. Allele origin: germline.
Comment: Advanced modeling of protein sequence and biophysical properties (such as structural, functional, and spatial information, amino acid conservation, physicochemical variation, residue mobility, and thermodynamic stability) performed at Invitae indicates that this missense variant is not expected to disrupt COL6A3 protein function. This sequence change replaces serine, which is neutral and polar, with asparagine, which is neutral and polar, at codon 3073 of the COL6A3 protein (p.Ser3073Asn). This variant is not present in population databases (gnomAD no frequency). This variant has not been reported in the literature in individuals affected with COL6A3-related conditions. In summary, the available evidence is currently insufficient to determine the role of this variant in disease. Therefore, it has been classified as a Variant of Uncertain Significance.

NM_004369.4(COL6A3):c.9218G>A (p.Ser3073Asn)

Gene: COL6A3 (collagen type VI alpha 3 chain; minus strand). Cytogenetic location: 2q37.3.
Variant type: single nucleotide variant.
Coding change: c.9218G>A on transcript NM_004369.4 (MANE Select); coding-DNA position 9218, G replaced by A.
Protein change: p.Ser3073Asn; replaces serine 3073 with asparagine.
Molecular consequence: missense variant.
Genome position (GRCh38, 1-based): chr2:237,334,637, C>T on the plus strand (G>A on the coding strand, the complement: COL6A3 is on the minus strand). VCF-style: chr2-237334637-C-T. GRCh37 (hg19) VCF-style: chr2-238243280-C-T.
Other names: c.7397G>A, p.Ser2466Asn (NM_057166.5); c.8600G>A, p.Ser2867Asn (NM_057167.4); short protein forms S3073N, S2466N, S2867N.
Identifiers: ClinVar variation 2811123 (VCV002811123.3), dbSNP rs2469787313, ClinGen allele CA351187979.